The following is an entry in ClinVar:

NM_014846.4(WASHC5):c.3262dup (p.His1088fs)

Genes: WASHC5 (WASH complex subunit 5; minus strand), LOC126860498 (P300/CBP strongly-dependent group 1 enhancer GRCh37_chr8:126043836-126045035; plus strand). Cytogenetic location: 8q24.13.
Variant type: Duplication.
Coding change: c.3262dup on transcript NM_014846.4 (MANE Select); coding-DNA position 3262, one base duplicated (C; older notation c.3262dupC).
Protein change: p.His1088fs; shifts the reading frame from histidine 1088.
Molecular consequence: frameshift variant.
Genome position (GRCh38, 1-based): chr8:125,032,314, G duplicated on the plus strand (C on the coding strand, the reverse complement: WASHC5 is on the minus strand); the first of 2 consecutive G bases (chr8:125,032,314-125,032,315); duplicating either gives the same sequence. VCF-style (leftmost placement, unchanged base first): chr8-125032313-T-TG. GRCh37 (hg19) VCF-style: chr8-126044555-T-TG.
Other names: c.2818dup, p.His940fs (NM_001330609.2); short protein forms H1088fs, H940fs.
Identifiers: ClinVar variation 1331504 (VCV001331504.1), dbSNP rs2129963735, ClinGen allele CA2573052968.

ClinVar aggregate classification (germline): Uncertain significance (1 of 4 stars; one submission).

Submission:

Women's Health and Genetics/Laboratory Corporation of America, LabCorp
Classification: Uncertain significance. Last evaluated: 2021-11-18. Review status: criteria provided, single submitter. Criteria: LabCorp Variant Classification Summary - May 2015. Collection method: clinical testing. Allele origin: germline.
Comment: Variant summary: KIAA0196 (WASHC5) c.3262dupC (p.His1088ProfsX30) results in a premature termination codon within exon 28 of 29, predicted to cause a truncation of the encoded protein or absence of the protein due to nonsense mediated decay. The variant was absent in 251152 control chromosomes (gnomAD). To our knowledge, no occurrence of c.3262dupC in individuals affected with Ritscher-Schinzel Syndrome 1 and no experimental evidence demonstrating its impact on protein function have been reported. A splice-site variant affecting exons 27-29 of KIAA0196 has been previously reported in multiple homozygous affected individuals from the same community in Canada (PMID 24065355), while additional experimentally-supported loss-of-function variants have been reported in other genes (e.g. VPS35L, DPYSL5) linked to Ritscher-Schinzel Syndrome (PMIDs: 31712251, 33894126). No clinical diagnostic laboratories have submitted clinical-significance assessments for this variant to ClinVar after 2014. While a loss-of-function variant in KIAA0196 has been previously reported in association with Ritscher-Schinzel Syndrome 1, until additional evidence of clinical and/or functional importance becomes available, the variant c.3262dupC was classified as VUS-possibly pathogenic.